The following is an entry in ClinVar:

ClinVar aggregate classification (germline): Uncertain significance (1 of 4 stars; one submission).

Submission:

Labcorp Genetics (formerly Invitae), Labcorp
Classification: Uncertain significance. Last evaluated: 2020-07-29. Review status: criteria provided, single submitter. Criteria: Invitae Variant Classification Sherloc (09022015). Collection method: clinical testing. Allele origin: germline.
Comment: In summary, the available evidence is currently insufficient to determine the role of this variant in disease. Therefore, it has been classified as a Variant of Uncertain Significance. Algorithms developed to predict the effect of sequence changes on RNA splicing suggest that this variant may disrupt the consensus splice site, but this prediction has not been confirmed by published transcriptional studies. This variant has not been reported in the literature in individuals with RS1-related conditions. This variant is not present in population databases (ExAC no frequency). This sequence change falls in intron 4 of the RS1 gene. It does not directly change the encoded amino acid sequence of the RS1 protein.

NM_000330.4(RS1):c.327-9_327-4del

Genes: CDKL5 (cyclin dependent kinase like 5; plus strand), RS1 (retinoschisin 1; minus strand). Cytogenetic location: Xp22.13.
Variant type: Deletion.
Coding change: c.327-9_327-4del on transcript NM_000330.4 (MANE Select); 9 bases into the intron before coding-DNA position 327 through 4 bases into the intron before coding-DNA position 327, 6 bases deleted (TCTCGG; older notation c.327-9_327-4delTCTCGG).
Molecular consequence: intron variant.
Genome position (GRCh38, 1-based): chrX:18,644,629-18,644,634, CCGAGA deleted on the plus strand (TCTCGG on the coding strand, the reverse complement: RS1 is on the minus strand). VCF-style (leftmost placement, unchanged base first): chrX-18644628-GCCGAGA-G. GRCh37 (hg19) VCF-style: chrX-18662748-GCCGAGA-G.
Other names: c.2714-1378_2714-1373del (NM_003159.3, NM_001037343.2).
Identifiers: ClinVar variation 1053050 (VCV001053050.9), dbSNP rs2147191437, ClinGen allele CA2499226539.